The following is an entry in ClinVar:

ClinVar aggregate classification (germline): Conflicting classifications of pathogenicity. Review status: criteria provided, conflicting classifications (1 of 4 stars). 5 submissions from 5 submitters: Uncertain significance (4); Likely benign (1). Last evaluated 2025-08-19.

Conditions:
IFT172-related disorder. Also called: IFT172-related condition; IFT172-related disorders.
Retinitis pigmentosa 71 (RP71). Identifiers: Orphanet 791, MedGen C4225342, MONDO:0014618, OMIM 616394.
Bardet-Biedl syndrome 20. Identifiers: MedGen C4310707, MONDO:0023670, OMIM 619471, MONDO:0014926.
Short-rib thoracic dysplasia 10 with or without polydactyly (SRTD10). Identifiers: Orphanet 474, MedGen C3810175, MONDO:0014284, OMIM 615630.
Inborn genetic diseases. Identifiers: MedGen C0950123, MeSH D030342.

Allele frequency attached by ClinVar (database versions not stated): gnomAD 0.00001; ExAC 0.00002; TOPMed 0.00003; gnomAD exomes 0.00005 and 0.00006.

Submissions (5):

PreventionGenetics, part of Exact Sciences
Classification: Uncertain significance for IFT172-related condition. Last evaluated: 2025-08-19. Review status: criteria provided, single submitter. Criteria: ACMG Guidelines, 2015. Collection method: clinical testing. Allele origin: germline.
Comment: The IFT172 c.1444G>A variant is predicted to result in the amino acid substitution p.Val482Ile. To our knowledge, this variant has not been reported in the literature. This variant is reported in 0.0088% of alleles in individuals of European (Non-Finnish) descent in gnomAD. At this time, the clinical significance of this variant is uncertain due to the absence of conclusive functional and genetic evidence.

Blueprint Genetics
Classification: Uncertain significance. Last evaluated: 2024-10-17. Review status: criteria provided, single submitter. Criteria: ACMG Guidelines, 2015. Collection method: clinical testing. Allele origin: germline.

Labcorp Genetics (formerly Invitae), Labcorp
Classification: Uncertain significance for Retinitis pigmentosa 71; Short-rib thoracic dysplasia 10 with or without polydactyly. Last evaluated: 2024-05-10. Review status: criteria provided, single submitter. Criteria: Invitae Variant Classification Sherloc (09022015). Collection method: clinical testing. Allele origin: germline.
Comment: This sequence change replaces valine, which is neutral and non-polar, with isoleucine, which is neutral and non-polar, at codon 482 of the IFT172 protein (p.Val482Ile). This variant is present in population databases (rs771104054, gnomAD 0.008%). This variant has not been reported in the literature in individuals affected with IFT172-related conditions. ClinVar contains an entry for this variant (Variation ID: 851128). Advanced modeling of protein sequence and biophysical properties (such as structural, functional, and spatial information, amino acid conservation, physicochemical variation, residue mobility, and thermodynamic stability) performed at Invitae indicates that this missense variant is not expected to disrupt IFT172 protein function with a negative predictive value of 80%. In summary, the available evidence is currently insufficient to determine the role of this variant in disease. Therefore, it has been classified as a Variant of Uncertain Significance.

Ambry Genetics
Classification: Likely benign for Inborn genetic diseases. Last evaluated: 2022-06-10. Review status: criteria provided, single submitter. Criteria: Ambry Variant Classification Scheme 2023. Collection method: clinical testing. Allele origin: germline.

Fulgent Genetics
Classification: Uncertain significance for Short-rib thoracic dysplasia 10 with or without polydactyly; Retinitis pigmentosa 71; Bardet-Biedl syndrome 20. Last evaluated: 2021-12-05. Review status: criteria provided, single submitter. Criteria: ACMG Guidelines, 2015. Collection method: clinical testing. Allele origin: unknown.

NM_015662.3(IFT172):c.1444G>A (p.Val482Ile)

Gene: IFT172 (intraflagellar transport 172; minus strand). Cytogenetic location: 2p23.3.
Variant type: single nucleotide variant.
Coding change: c.1444G>A on transcript NM_015662.3 (MANE Select); coding-DNA position 1444, G replaced by A.
Protein change: p.Val482Ile; replaces valine 482 with isoleucine.
Molecular consequence: missense variant.
Genome position (GRCh38, 1-based): chr2:27,472,330, C>T on the plus strand (G>A on the coding strand, the complement: IFT172 is on the minus strand). VCF-style: chr2-27472330-C-T. GRCh37 (hg19) VCF-style: chr2-27695197-C-T.
Other names: c.1444G>A (NM_015662.1); short protein forms V482I.
Identifiers: ClinVar variation 851128 (VCV000851128.12), dbSNP rs771104054, ClinGen allele CA1580643.